The following is an entry in ClinVar:

ClinVar aggregate classification (germline): Uncertain significance. Review status: criteria provided, multiple submitters, no conflicts (2 of 4 stars). 2 submissions from 2 submitters: Uncertain significance (2). Last evaluated 2025-11-02.

Conditions:
Inborn genetic diseases. Identifiers: MedGen C0950123, MeSH D030342.

Allele frequency attached by ClinVar (database versions not stated): gnomAD exomes below 0.00001; ExAC 0.00001; gnomAD 0.00001.
gnomAD v4.1: 2 of 1,613,836 alleles (0.00012%); highest among the groups gnomAD compares: Non-Finnish European, 0.00017%; no homozygotes.

Submissions (2):

Labcorp Genetics (formerly Invitae), Labcorp
Classification: Uncertain significance. Last evaluated: 2025-11-02. Review status: criteria provided, single submitter. Criteria: Invitae Variant Classification Sherloc (09022015). Collection method: clinical testing. Allele origin: germline.
Comment: This sequence change replaces tyrosine, which is neutral and polar, with cysteine, which is neutral and slightly polar, at codon 513 of the TEK protein (p.Tyr513Cys). This variant is present in population databases (rs774826137, gnomAD 0.0009%). This variant has not been reported in the literature in individuals affected with TEK-related conditions. ClinVar contains an entry for this variant (Variation ID: 2896316). Invitae Evidence Modeling of protein sequence and biophysical properties (such as structural, functional, and spatial information, amino acid conservation, physicochemical variation, residue mobility, and thermodynamic stability) has been performed for this missense variant. However, the output from this modeling did not meet the statistical confidence thresholds required to predict the impact of this variant on TEK protein function. In summary, the available evidence is currently insufficient to determine the role of this variant in disease. Therefore, it has been classified as a Variant of Uncertain Significance.

Ambry Genetics
Classification: Uncertain significance for Inborn genetic diseases. Last evaluated: 2025-08-08. Review status: criteria provided, single submitter. Criteria: Ambry Variant Classification Scheme 2023. Collection method: clinical testing. Allele origin: germline.

NM_000459.5(TEK):c.1538A>G (p.Tyr513Cys)

Gene: TEK (TEK receptor tyrosine kinase; plus strand). Cytogenetic location: 9p21.2.
Variant type: single nucleotide variant.
Coding change: c.1538A>G on transcript NM_000459.5 (MANE Select); coding-DNA position 1538, A replaced by G.
Protein change: p.Tyr513Cys; replaces tyrosine 513 with cysteine.
Molecular consequence: missense variant.
Genome position (GRCh38, 1-based): chr9:27,192,537, A>G. VCF-style: chr9-27192537-A-G. GRCh37 (hg19) VCF-style: chr9-27192535-A-G.
Other names: c.1409A>G, p.Tyr470Cys (NM_001290077.2, NM_001375476.1); c.1097A>G, p.Tyr366Cys (NM_001290078.2); c.1538A>G, p.Tyr513Cys (NM_001375475.1); c.1538A>G (NM_000459.3); short protein forms Y470C, Y366C, Y513C.
Identifiers: ClinVar variation 2896316 (VCV002896316.4), dbSNP rs774826137, ClinGen allele CA5016274.